The following is an entry in ClinVar:

NM_145290.4(ADGRA3):c.1368C>A (p.Asp456Glu)

Gene: ADGRA3 (adhesion G protein-coupled receptor A3; minus strand). Cytogenetic location: 4p15.2.
Variant type: single nucleotide variant.
Coding change: c.1368C>A on transcript NM_145290.4 (MANE Select); coding-DNA position 1368, C replaced by A.
Protein change: p.Asp456Glu; replaces aspartic acid 456 with glutamic acid.
Molecular consequence: missense variant.
Genome position (GRCh38, 1-based): chr4:22,435,386, G>T on the plus strand (C>A on the coding strand, the complement: ADGRA3 is on the minus strand). VCF-style: chr4-22435386-G-T. GRCh37 (hg19) VCF-style: chr4-22437009-G-T.
Other names: short protein forms D456E.
Identifiers: ClinVar variation 1916172 (VCV001916172.5), dbSNP rs2109060221, ClinGen allele CA356481842.

ClinVar aggregate classification (germline): Uncertain significance (1 of 4 stars; one submission).

Submission:

Labcorp Genetics (formerly Invitae), Labcorp
Classification: Uncertain significance. Last evaluated: 2022-10-24. Review status: criteria provided, single submitter. Criteria: Invitae Variant Classification Sherloc (09022015). Collection method: clinical testing. Allele origin: germline.
Comment: This sequence change replaces aspartic acid, which is acidic and polar, with glutamic acid, which is acidic and polar, at codon 456 of the ADGRA3 protein (p.Asp456Glu). This variant is not present in population databases (gnomAD no frequency). This variant has not been reported in the literature in individuals affected with ADGRA3-related conditions. Algorithms developed to predict the effect of missense changes on protein structure and function are either unavailable or do not agree on the potential impact of this missense change (SIFT: "Deleterious"; PolyPhen-2: "Probably Damaging"; Align-GVGD: "Class C0"). In summary, the available evidence is currently insufficient to determine the role of this variant in disease. Therefore, it has been classified as a Variant of Uncertain Significance.